The following is an entry in ClinVar:

NM_012210.4(TRIM32):c.920G>A (p.Trp307Ter)

Genes: ASTN2 (astrotactin 2; minus strand), TRIM32 (tripartite motif containing 32; plus strand). Cytogenetic location: 9q33.1.
Variant type: single nucleotide variant.
Coding change: c.920G>A on transcript NM_012210.4 (MANE Select); coding-DNA position 920, G replaced by A.
Protein change: p.Trp307Ter; replaces tryptophan 307 with a stop codon.
Molecular consequence: nonsense. On other transcripts: intron variant (3).
Genome position (GRCh38, 1-based): chr9:116,698,662, G>A. VCF-style: chr9-116698662-G-A. GRCh37 (hg19) VCF-style: chr9-119460941-G-A.
Other names: c.920G>A, p.Trp307Ter (NM_001099679.2, NM_001379048.1, NM_001379049.1 and 1 more transcripts); c.2653+27109C>T (NM_014010.5); c.2794+27109C>T (NM_001365069.1); c.2806+27109C>T (NM_001365068.1); short protein forms W307*.
Identifiers: ClinVar variation 2768571 (VCV002768571.3), dbSNP rs2491063414, ClinGen allele CA374650360.
Genomic context (GRCh38, chr9:116,698,662, plus strand): 5'-GCCCCCTCCAAATTGGACAAGCTGTTAAGAAGCCCCGGACAGTTAACGTGGAAGATTCCT[G>A]GGCCATGGAGGCCACAGCGTCTGCTGCCTCTACCTCTGTTACTTTTAGAGAGATGGACAT-3'

ClinVar aggregate classification (germline): Pathogenic (1 of 4 stars; one submission).

Conditions:
Bardet-Biedl syndrome (BBS). Identifiers: Orphanet 110, MedGen C0752166, MONDO:0015229.

Submission:

Labcorp Genetics (formerly Invitae), Labcorp
Classification: Pathogenic for Bardet-Biedl syndrome. Last evaluated: 2023-10-14. Review status: criteria provided, single submitter. Criteria: Invitae Variant Classification Sherloc (09022015). Collection method: clinical testing. Allele origin: germline.
Comment: This sequence change creates a premature translational stop signal (p.Trp307*) in the TRIM32 gene. While this is not anticipated to result in nonsense mediated decay, it is expected to disrupt the last 347 amino acid(s) of the TRIM32 protein. This variant is not present in population databases (gnomAD no frequency). This variant has not been reported in the literature in individuals affected with TRIM32-related conditions. This variant disrupts a region of the TRIM32 protein in which other variant(s) (p.Val591Met) have been determined to be pathogenic (PMID: 30823891). This suggests that this is a clinically significant region of the protein, and that variants that disrupt it are likely to be disease-causing. For these reasons, this variant has been classified as Pathogenic.

Literature cited by the submitters: PubMed 30823891.